The following is an entry in ClinVar:

ClinVar aggregate classification (germline): Pathogenic (1 of 4 stars; one submission).

Allele frequency attached by ClinVar (database versions not stated): TOPMed below 0.00001.

Submission:

Labcorp Genetics (formerly Invitae), Labcorp
Classification: Pathogenic. Last evaluated: 2023-04-22. Review status: criteria provided, single submitter. Criteria: Invitae Variant Classification Sherloc (09022015). Collection method: clinical testing. Allele origin: germline.
Comment: For these reasons, this variant has been classified as Pathogenic. ClinVar contains an entry for this variant (Variation ID: 1457798). This premature translational stop signal has been observed in individual(s) with Usher syndrome (PMID: 30459346). This variant is not present in population databases (gnomAD no frequency). This sequence change creates a premature translational stop signal (p.Trp5629*) in the ADGRV1 gene. It is expected to result in an absent or disrupted protein product. Loss-of-function variants in ADGRV1 are known to be pathogenic (PMID: 19357117, 22135276, 22147658, 26226137, 30718709, 31047384, 32467589).

Literature cited by the submitters: PubMed 30459346; PubMed 19357117; PubMed 22135276; PubMed 22147658; PubMed 26226137; PubMed 30718709; PubMed 31047384; PubMed 32467589.

NM_032119.4(ADGRV1):c.16886G>A (p.Trp5629Ter)

Gene: ADGRV1 (adhesion G protein-coupled receptor V1; plus strand). Cytogenetic location: 5q14.3.
Variant type: single nucleotide variant.
Coding change: c.16886G>A on transcript NM_032119.4 (MANE Select); coding-DNA position 16886, G replaced by A.
Protein change: p.Trp5629Ter; replaces tryptophan 5629 with a stop codon.
Molecular consequence: nonsense. On other transcripts: non-coding transcript variant (1).
Genome position (GRCh38, 1-based): chr5:90,840,852, G>A. VCF-style: chr5-90840852-G-A. GRCh37 (hg19) VCF-style: chr5-90136669-G-A.
Other names: short protein forms W5629*.
Identifiers: ClinVar variation 1457798 (VCV001457798.8), dbSNP rs1765363480, ClinGen allele CA360428720.